The following is an entry in ClinVar:

NM_000138.5(FBN1):c.6427A>T (p.Ile2143Phe)

Gene: FBN1 (fibrillin 1; minus strand). Cytogenetic location: 15q21.1.
Variant type: single nucleotide variant.
Coding change: c.6427A>T on transcript NM_000138.5 (MANE Select); coding-DNA position 6427, A replaced by T.
Protein change: p.Ile2143Phe; replaces isoleucine 2143 with phenylalanine.
Molecular consequence: missense variant.
Genome position (GRCh38, 1-based): chr15:48,437,030, T>A on the plus strand (A>T on the coding strand, the complement: FBN1 is on the minus strand). VCF-style: chr15-48437030-T-A. GRCh37 (hg19) VCF-style: chr15-48729227-T-A.
Other names: c.6427A>T, p.Ile2143Phe (NM_001406716.1); short protein forms I2143F.
Identifiers: ClinVar variation 3763745 (VCV003763745.3).

ClinVar aggregate classification (germline): Conflicting classifications of pathogenicity. Review status: criteria provided, conflicting classifications (1 of 4 stars). 2 submissions from 2 submitters: Uncertain significance (1); Likely benign (1). Last evaluated 2025-01-18.

Conditions:
Familial thoracic aortic aneurysm and aortic dissection (TAAD). Also called: Thoracic aortic aneurysms and dissections. Identifiers: Orphanet 91387, MedGen C4707243, MONDO:0019625.
Marfan syndrome (MFS). Also called: MARFAN SYNDROME, TYPE I; Marfan syndrome type 1; Marfan's syndrome; Marfan syndrome, classic; FBN1-Related Marfan Syndrome. Identifiers: Orphanet 284963, Orphanet 558, MedGen C0024796, MONDO:0007947, OMIM 154700.

gnomAD v4.1: 10 of 1,613,592 alleles (0.00062%); highest among the groups gnomAD compares: South Asian, 0.011%; no homozygotes.

Submissions (2):

Labcorp Genetics (formerly Invitae), Labcorp
Classification: Uncertain significance for Marfan syndrome; Familial thoracic aortic aneurysm and aortic dissection. Last evaluated: 2025-01-18. Review status: criteria provided, single submitter. Criteria: Invitae Variant Classification Sherloc (09022015). Collection method: clinical testing. Allele origin: germline.
Comment: This sequence change replaces isoleucine, which is neutral and non-polar, with phenylalanine, which is neutral and non-polar, at codon 2143 of the FBN1 protein (p.Ile2143Phe). This variant is present in population databases (rs779072283, gnomAD 0.02%). This variant has not been reported in the literature in individuals affected with FBN1-related conditions. Invitae Evidence Modeling of protein sequence and biophysical properties (such as structural, functional, and spatial information, amino acid conservation, physicochemical variation, residue mobility, and thermodynamic stability) indicates that this missense variant is expected to disrupt FBN1 protein function with a positive predictive value of 95%. This variant disrupts the p.Ile2143 amino acid residue in FBN1. Other variant(s) that disrupt this residue have been observed in individuals with FBN1-related conditions (PMID: 24161884, 36517271), which suggests that this may be a clinically significant amino acid residue. In summary, the available evidence is currently insufficient to determine the role of this variant in disease. Therefore, it has been classified as a Variant of Uncertain Significance.

Color Diagnostics, LLC DBA Color Health
Classification: Likely benign for Familial thoracic aortic aneurysm and aortic dissection. Last evaluated: 2024-03-19. Review status: criteria provided, single submitter. Criteria: ACMG Guidelines, 2015. Collection method: clinical testing. Allele origin: germline.

Literature cited by the submitters: PubMed 24161884 (cited by Labcorp Genetics (formerly Invitae), Labcorp); PubMed 36517271 (cited by Labcorp Genetics (formerly Invitae), Labcorp).